The following is an entry in ClinVar:

NM_000195.5(HPS1):c.303C>A (p.Ser101Arg)

Gene: HPS1 (HPS1 biogenesis of lysosomal organelles complex 3 subunit 1; minus strand). Cytogenetic location: 10q24.2.
Variant type: single nucleotide variant.
Coding change: c.303C>A on transcript NM_000195.5 (MANE Select); coding-DNA position 303, C replaced by A.
Protein change: p.Ser101Arg; replaces serine 101 with arginine.
Molecular consequence: missense variant. On other transcripts: 5 prime UTR variant (2), intron variant (7).
Genome position (GRCh38, 1-based): chr10:98,435,367, G>T on the plus strand (C>A on the coding strand, the complement: HPS1 is on the minus strand). VCF-style: chr10-98435367-G-T. GRCh37 (hg19) VCF-style: chr10-100195124-G-T.
Other names: c.-614C>A (NM_001311345.2); c.303C>A, p.Ser101Arg (NM_001322476.2, NM_001322477.2, NM_001322478.2 and 5 more transcripts); c.-713C>A (NM_001322487.2); c.29+268C>A (NM_001322483.2, NM_001322485.2, NM_001322484.2); c.255+268C>A (NM_001322480.2, NM_001322482.2, NM_001322481.2); c.-519+268C>A (NM_001322489.2); short protein forms S101R.
Identifiers: ClinVar variation 1418769 (VCV001418769.8), dbSNP rs769932435, ClinGen allele CA378055103.

ClinVar aggregate classification (germline): Uncertain significance (1 of 4 stars; one submission).

gnomAD v4.1: 3 of 1,613,910 alleles (0.00019%); highest among the groups gnomAD compares: African/African-American, 0.0027%; no homozygotes.

Submission:

Labcorp Genetics (formerly Invitae), Labcorp
Classification: Uncertain significance. Last evaluated: 2022-08-19. Review status: criteria provided, single submitter. Criteria: Invitae Variant Classification Sherloc (09022015). Collection method: clinical testing. Allele origin: germline.
Comment: ClinVar contains an entry for this variant (Variation ID: 1418769). This sequence change replaces serine, which is neutral and polar, with arginine, which is basic and polar, at codon 101 of the HPS1 protein (p.Ser101Arg). This variant is not present in population databases (gnomAD no frequency). This variant has not been reported in the literature in individuals affected with HPS1-related conditions. Algorithms developed to predict the effect of missense changes on protein structure and function (SIFT, PolyPhen-2, Align-GVGD) all suggest that this variant is likely to be tolerated. In summary, the available evidence is currently insufficient to determine the role of this variant in disease. Therefore, it has been classified as a Variant of Uncertain Significance.